The following is an entry in ClinVar:

ClinVar aggregate classification (germline): Uncertain significance. Review status: criteria provided, multiple submitters, no conflicts (2 of 4 stars). 2 submissions from 2 submitters: Uncertain significance (2). Last evaluated 2025-11-09.

Conditions:
Recessive dystrophic epidermolysis bullosa (RDEB). Also called: DYSTROPHIC EPIDERMOLYSIS BULLOSA, AUTOSOMAL RECESSIVE; EPIDERMOLYSIS BULLOSA DYSTROPHICA, HALLOPEAU-SIEMENS TYPE; Recessive DEB (RDEB); Hallopeau-Siemens Disease; severe generalized recessive dystrophic epidermolysis bullosa; Epidermolysis Bullosa Distrophica Autosomal Recessive (RDEB). Identifiers: Orphanet 79408, Orphanet 79409, MedGen C0079474, MONDO:0009179, OMIM 226600.

gnomAD v4.1: 11 of 1,613,656 alleles (0.00068%); highest among the groups gnomAD compares: Non-Finnish European, 0.00085%; no homozygotes.

Submissions (2):

Labcorp Genetics (formerly Invitae), Labcorp
Classification: Uncertain significance. Last evaluated: 2025-11-09. Review status: criteria provided, single submitter. Criteria: Invitae Variant Classification Sherloc (09022015). Collection method: clinical testing. Allele origin: germline.
Comment: This sequence change replaces proline, which is neutral and non-polar, with leucine, which is neutral and non-polar, at codon 507 of the COL7A1 protein (p.Pro507Leu). This variant is not present in population databases (gnomAD no frequency). This variant has not been reported in the literature in individuals affected with COL7A1-related conditions. ClinVar contains an entry for this variant (Variation ID: 3779148). Invitae Evidence Modeling of protein sequence and biophysical properties (such as structural, functional, and spatial information, amino acid conservation, physicochemical variation, residue mobility, and thermodynamic stability) indicates that this missense variant is not expected to disrupt COL7A1 protein function with a negative predictive value of 95%. In summary, the available evidence is currently insufficient to determine the role of this variant in disease. Therefore, it has been classified as a Variant of Uncertain Significance.

Department of Pathology and Laboratory Medicine, Sinai Health System
Classification: Uncertain significance for recessive dystrophic epidermolysis bullosa. Last evaluated: 2022-03-10. Review status: criteria provided, single submitter. Criteria: ACMG Guidelines, 2015. Collection method: research. Allele origin: germline.

NM_000094.4(COL7A1):c.1520C>T (p.Pro507Leu)

Gene: COL7A1 (collagen type VII alpha 1 chain; minus strand). Cytogenetic location: 3p21.31.
Variant type: single nucleotide variant.
Coding change: c.1520C>T on transcript NM_000094.4 (MANE Select); coding-DNA position 1520, C replaced by T.
Protein change: p.Pro507Leu; replaces proline 507 with leucine.
Molecular consequence: missense variant.
Genome position (GRCh38, 1-based): chr3:48,591,580, G>A on the plus strand (C>T on the coding strand, the complement: COL7A1 is on the minus strand). VCF-style: chr3-48591580-G-A. GRCh37 (hg19) VCF-style: chr3-48629013-G-A.
Other names: short protein forms P507L.
Identifiers: ClinVar variation 3779148 (VCV003779148.2).